The following is an entry in ClinVar:

ClinVar aggregate classification (germline): Uncertain significance (1 of 4 stars; one submission).

Allele frequency attached by ClinVar (database versions not stated): TOPMed below 0.00001; gnomAD 0.00001.
gnomAD v4.1: 1 of 1,614,048 alleles (0.000062%); highest among the groups gnomAD compares: African/African-American, 0.0013%; no homozygotes.

Submission:

GeneDx
Classification: Uncertain significance. Last evaluated: 2023-03-06. Review status: criteria provided, single submitter. Criteria: GeneDx Variant Classification Process June 2021. Collection method: clinical testing. Allele origin: germline. Affected: yes.
Comment: Not observed at significant frequency in large population cohorts (gnomAD); In silico analysis supports that this missense variant does not alter protein structure/function; Has not been previously published as pathogenic or benign to our knowledge

NM_006593.4(TBR1):c.373C>A (p.Pro125Thr)

Gene: TBR1 (T-box brain transcription factor 1; plus strand). Cytogenetic location: 2q24.2.
Variant type: single nucleotide variant.
Coding change: c.373C>A on transcript NM_006593.4 (MANE Select); coding-DNA position 373, C replaced by A.
Protein change: p.Pro125Thr; replaces proline 125 with threonine.
Molecular consequence: missense variant.
Genome position (GRCh38, 1-based): chr2:161,416,783, C>A. VCF-style: chr2-161416783-C-A. GRCh37 (hg19) VCF-style: chr2-162273294-C-A.
Other names: short protein forms P125T.
Identifiers: ClinVar variation 2579417 (VCV002579417.1), dbSNP rs1684129636, ClinGen allele CA349211253.
Genomic context (GRCh38, chr2:161,416,783, plus strand): 5'-TACCTCCTCTCTCAGTCCAGCCAGCCACAGTCTGCGGCCACTGCTCCCAGTGCCATGTTC[C>A]CGTACCCCGGCCAGCACGGACCGGCGCACCCCGCCTTCTCCATCGGCAGCCCTAGCCGCT-3'
Protein context (NP_006584.1, residues 115-135): SAATAPSAMF[Pro125Thr]YPGQHGPAHP